The following is an entry in ClinVar:

NM_000138.5(FBN1):c.3592A>G (p.Ile1198Val)

Gene: FBN1 (fibrillin 1; minus strand). Cytogenetic location: 15q21.1.
Variant type: single nucleotide variant.
Coding change: c.3592A>G on transcript NM_000138.5 (MANE Select); coding-DNA position 3592, A replaced by G.
Protein change: p.Ile1198Val; replaces isoleucine 1198 with valine.
Molecular consequence: missense variant.
Genome position (GRCh38, 1-based): chr15:48,485,494, T>C on the plus strand (A>G on the coding strand, the complement: FBN1 is on the minus strand). VCF-style: chr15-48485494-T-C. GRCh37 (hg19) VCF-style: chr15-48777691-T-C.
Other names: short protein forms I1198V.
Identifiers: ClinVar variation 928399 (VCV000928399.15), dbSNP rs370572503, ClinGen allele CA051256.

ClinVar aggregate classification (germline): Uncertain significance. Review status: criteria provided, multiple submitters, no conflicts (2 of 4 stars). 5 submissions from 5 submitters: Uncertain significance (5). Last evaluated 2025-07-11.

Conditions:
Familial thoracic aortic aneurysm and aortic dissection (TAAD). Also called: Thoracic aortic aneurysms and dissections. Identifiers: Orphanet 91387, MedGen C4707243, MONDO:0019625.
Marfan syndrome (MFS). Also called: Marfan syndrome, classic; Marfan syndrome type 1; Marfan's syndrome; FBN1-Related Marfan Syndrome; MARFAN SYNDROME, TYPE I. Identifiers: Orphanet 284963, Orphanet 558, MedGen C0024796, MONDO:0007947, OMIM 154700.
Weill-Marchesani syndrome 2, dominant. Also called: FBN1-Related Weill-Marchesani Syndrome; Weill-Marchesani Syndrome, Autosomal Dominant. Identifiers: Orphanet 2084, MedGen C1869115, MONDO:0012013, OMIM 608328.
Progeroid and marfanoid aspect-lipodystrophy syndrome. Also called: MARFANOID-PROGEROID SYNDROME; MARFAN-PROGEROID-LIPODYSTROPHY SYNDROME; Marfan lipodystrophy syndrome; MARFANOID-PROGEROID-LIPODYSTROPHY SYNDROME. Identifiers: Orphanet 300382, MedGen C4310796, MONDO:0014831, OMIM 616914.
Acromicric dysplasia (ACMICD). Also called: Acromicric skeletal dysplasia. Identifiers: Orphanet 969, MedGen C0265287, MONDO:0007055, OMIM 102370.
Ectopia lentis 1, isolated, autosomal dominant (ECTOL1). Identifiers: Orphanet 1885, MedGen C3541518, MONDO:0007514, OMIM 129600.
Geleophysic dysplasia 2 (GPHYSD2). Identifiers: Orphanet 2623, MedGen C3280054, MONDO:0013612, OMIM 614185.
MASS syndrome (OCTD). Also called: OVERLAP CONNECTIVE TISSUE DISEASE; MASS PHENOTYPE. Identifiers: MedGen C1858556, MONDO:0011431, OMIM 604308.
Stiff skin syndrome (SSKS). Identifiers: Orphanet 2833, MedGen C1861456, MONDO:0008492, OMIM 184900.

Allele frequency attached by ClinVar (database versions not stated): gnomAD exomes 0.00001; gnomAD 0.00001; TOPMed 0.00001; ESP Exome Variant Server 0.00008; ExAC 0.00002.
gnomAD v4.1: 15 of 1,614,062 alleles (0.00093%); highest among the groups gnomAD compares: Non-Finnish European, 0.0013%; no homozygotes.

Submissions (5):

Color Diagnostics, LLC DBA Color Health
Classification: Uncertain significance for Familial thoracic aortic aneurysm and aortic dissection. Last evaluated: 2025-07-11. Review status: criteria provided, single submitter. Criteria: ACMG Guidelines, 2015. Collection method: clinical testing. Allele origin: germline.
Comment: This missense variant replaces isoleucine with valine at codon 1198 of the FBN1 protein. Computational prediction suggests that this variant may not impact protein structure and function. To our knowledge, functional studies have not been reported for this variant. This variant has not been reported in individuals affected with FBN1-related disorders in the literature. This variant has been identified in 3/251412 chromosomes in the general population by the Genome Aggregation Database (gnomAD). The available evidence is insufficient to determine the role of this variant in disease conclusively. Therefore, this variant is classified as a Variant of Uncertain Significance.

Labcorp Genetics (formerly Invitae), Labcorp
Classification: Uncertain significance for Marfan syndrome; Familial thoracic aortic aneurysm and aortic dissection. Last evaluated: 2024-05-01. Review status: criteria provided, single submitter. Criteria: Invitae Variant Classification Sherloc (09022015). Collection method: clinical testing. Allele origin: germline.
Comment: This sequence change replaces isoleucine, which is neutral and non-polar, with valine, which is neutral and non-polar, at codon 1198 of the FBN1 protein (p.Ile1198Val). This variant is present in population databases (rs370572503, gnomAD 0.003%). This variant has not been reported in the literature in individuals affected with FBN1-related conditions. ClinVar contains an entry for this variant (Variation ID: 928399). An algorithm developed to predict the effect of missense changes on protein structure and function (PolyPhen-2) suggests that this variant is likely to be tolerated. In summary, the available evidence is currently insufficient to determine the role of this variant in disease. Therefore, it has been classified as a Variant of Uncertain Significance.

All of Us Research Program, National Institutes of Health
Classification: Uncertain significance for Marfan syndrome. Last evaluated: 2024-01-11. Review status: criteria provided, single submitter. Criteria: ACMG Guidelines, 2015. Collection method: clinical testing. Allele origin: germline. Inheritance: Autosomal dominant inheritance. Observed: 5 variant alleles, 5 heterozygotes.
Comment: This missense variant replaces isoleucine with valine at codon 1198 of the FBN1 protein. Computational prediction tools and conservation analyses are inconclusive regarding the impact of this variant on the protein function. Computational splicing tools suggest that this variant may not impact RNA splicing. To our knowledge, functional assays have not been performed for this variant nor has this variant been reported in individuals affected with cardiovascular disorders in the literature. This variant has been identified in 3/251412 chromosomes in the general population by the Genome Aggregation Database (gnomAD). Available evidence is insufficient to determine the role of this variant in disease conclusively. Therefore, this variant is classified as a Variant of Uncertain Significance.

This study involves interpretation of variants in research participants for the purpose of population health screening. Participant phenotype was not available at the time of variant classification. Additional details can be found in publication PMID: 35346344, PMCID: PMC8962531

Ambry Genetics
Classification: Uncertain significance for Familial thoracic aortic aneurysm and aortic dissection. Last evaluated: 2023-11-28. Review status: criteria provided, single submitter. Criteria: Ambry Variant Classification Scheme 2023. Collection method: clinical testing. Allele origin: germline.
Comment: The p.I1198V variant (also known as c.3592A>G), located in coding exon 29 of the FBN1 gene, results from an A to G substitution at nucleotide position 3592. The isoleucine at codon 1198 is replaced by valine, an amino acid with highly similar properties. This amino acid position is highly conserved in available vertebrate species. In addition, the in silico prediction for this alteration is inconclusive. Since supporting evidence is limited at this time, the clinical significance of this alteration remains unclear.

Fulgent Genetics
Classification: Uncertain significance for Acromicric dysplasia; Ectopia lentis 1, isolated, autosomal dominant; Marfan syndrome; Stiff skin syndrome; MASS syndrome; Weill-Marchesani syndrome 2, dominant; Geleophysic dysplasia 2; Progeroid and marfanoid aspect-lipodystrophy syndrome. Last evaluated: 2021-11-11. Review status: criteria provided, single submitter. Criteria: ACMG Guidelines, 2015. Collection method: clinical testing. Allele origin: unknown.